The following is an entry in ClinVar:

ClinVar aggregate classification (germline): Uncertain significance. Review status: criteria provided, multiple submitters, no conflicts (2 of 4 stars). 2 submissions from 2 submitters: Uncertain significance (2). Last evaluated 2025-10-31.

Conditions:
Osteogenesis imperfecta type I (OI1). Also called: OI, TYPE I; OSTEOGENESIS IMPERFECTA TARDA; OSTEOGENESIS IMPERFECTA WITH BLUE SCLERAE; Osteogenesis imperfecta type 1; Lobstein disease; Classic Non-deforming Osteogenesis Imperfecta with Blue Sclerae. Identifiers: Orphanet 216796, Orphanet 666, MedGen C0023931, MONDO:0008146, OMIM 166200. Disease mechanism: loss of function.
Infantile cortical hyperostosis. Also called: Hyperostosis, Cortical, Congenital; Caffey Disease; P1PK BLOOD GROUP SYSTEM, P(2) PHENOTYPE. Identifiers: Orphanet 1310, MedGen C0020497, MONDO:0007244, OMIM 114000.
Ehlers-Danlos syndrome, arthrochalasia type. Also called: ARTHROCHALASIS MULTIPLEX CONGENITA; EDS VII, MUTANT PROCOLLAGEN TYPE; EDS VIIA; Ehlers-Danlos syndrome, arthrochalasia type, 1; Ehlers-Danlos syndrome, arthrochalasis type. Identifiers: Orphanet 1899, Orphanet 99875, Orphanet 99876, MedGen C4551623, MONDO:0007525, OMIM 130060.
Osteogenesis imperfecta (OI). Identifiers: Orphanet 666, MedGen C0029434, MeSH D010013, MONDO:0019019.
Ehlers-Danlos syndrome (EDS). Identifiers: Orphanet 98249, MedGen C0013720, MONDO:0020066.

Submissions (2):

Women's Health and Genetics/Laboratory Corporation of America, LabCorp
Classification: Uncertain significance. Last evaluated: 2025-10-31. Review status: criteria provided, single submitter. Criteria: LabCorp Variant Classification Summary - May 2015. Collection method: clinical testing. Allele origin: germline.
Comment: Variant summary: COL1A1 c.3459T>G (p.Asp1153Glu) results in a conservative amino acid change in the encoded protein sequence. Algorithms developed to predict the effect of missense changes on protein structure and function are either unavailable or do not agree on the potential impact of this missense change. The variant was absent in 247178 control chromosomes. The available data on variant occurrences in the general population are insufficient to allow any conclusion about variant significance. To our knowledge, no occurrence of c.3459T>G in individuals affected with COL1A1-related conditions and no experimental evidence demonstrating its impact on protein function have been reported. The following publication has been ascertained in the context of this evaluation (PMID: 18996919). ClinVar contains an entry for this variant (Variation ID: 1354551). Based on the evidence outlined above, the variant was classified as uncertain significance.

Labcorp Genetics (formerly Invitae), Labcorp
Classification: Uncertain significance for Osteogenesis imperfecta type I. Last evaluated: 2020-12-23. Review status: criteria provided, single submitter. Criteria: Invitae Variant Classification Sherloc (09022015). Collection method: clinical testing. Allele origin: germline.
Comment: This sequence change replaces aspartic acid with glutamic acid at codon 1153 of the COL1A1 protein (p.Asp1153Glu). The aspartic acid residue is highly conserved and there is a small physicochemical difference between aspartic acid and glutamic acid. This variant is not present in population databases (ExAC no frequency). In summary, the available evidence is currently insufficient to determine the role of this variant in disease. Therefore, it has been classified as a Variant of Uncertain Significance. Advanced modeling of protein sequence and biophysical properties (such as structural, functional, and spatial information, amino acid conservation, physicochemical variation, residue mobility, and thermodynamic stability) performed at Invitae indicates that this missense variant is not expected to disrupt COL1A1 protein function. This variant has not been reported in the literature in individuals with COL1A1-related conditions.

Literature cited by the submitters: PubMed 18996919 (cited by Women's Health and Genetics/Laboratory Corporation of America, LabCorp).

NM_000088.4(COL1A1):c.3459T>G (p.Asp1153Glu)

Gene: COL1A1 (collagen type I alpha 1 chain; minus strand). Cytogenetic location: 17q21.33.
Variant type: single nucleotide variant.
Coding change: c.3459T>G on transcript NM_000088.4 (MANE Select); coding-DNA position 3459, T replaced by G.
Protein change: p.Asp1153Glu; replaces aspartic acid 1153 with glutamic acid.
Molecular consequence: missense variant.
Genome position (GRCh38, 1-based): chr17:50,187,087, A>C on the plus strand (T>G on the coding strand, the complement: COL1A1 is on the minus strand). VCF-style: chr17-50187087-A-C. GRCh37 (hg19) VCF-style: chr17-48264448-A-C.
Other names: c.3459T>G (NM_000088.3); short protein forms D1153E.
Identifiers: ClinVar variation 1354551 (VCV001354551.10), dbSNP rs1800218, ClinGen allele CA400198881.
Genomic context (GRCh38, chr17:50,187,087, plus strand): 5'-ATCACCAGTGCGACCGCGAGGACCAGGGGGCCCAATGGGGCCAGGGAGACCGTTGAGTCC[A>C]TCTTTGCCAGGAGCACCAGCAGAGCCAGGGGGACCCTGGAGTGGGGGAAATGGTTTGAGA-3'
Protein context (NP_000079.2, residues 1143-1163): PPGSAGAPGK[Asp1153Glu]GLNGLPGPIG